The following is an entry in ClinVar:

NM_032119.4(ADGRV1):c.11481T>C (p.Asp3827=)

Gene: ADGRV1 (adhesion G protein-coupled receptor V1; plus strand). Cytogenetic location: 5q14.3.
Variant type: single nucleotide variant.
Coding change: c.11481T>C on transcript NM_032119.4 (MANE Select); coding-DNA position 11481, T replaced by C.
Protein change: p.Asp3827=; no amino-acid change (aspartic acid 3827 retained).
Molecular consequence: synonymous variant. On other transcripts: non-coding transcript variant (1).
Genome position (GRCh38, 1-based): chr5:90,755,086, T>C. VCF-style: chr5-90755086-T-C. GRCh37 (hg19) VCF-style: chr5-90050903-T-C.
Identifiers: ClinVar variation 158645 (VCV000158645.23), dbSNP rs16869083, ClinGen allele CA172268.

ClinVar aggregate classification (germline): Benign. Review status: criteria provided, multiple submitters, no conflicts (2 of 4 stars). 6 submissions from 6 submitters: Benign (5). 1 of the submissions does not count toward it. Last evaluated 2026-02-02.

Conditions:
Usher syndrome type 2C. Also called: USHER SYNDROME, TYPE IIC; Usher syndrome, type 2B. Identifiers: Orphanet 231178, Orphanet 886, MedGen C2931213, MONDO:0011558, OMIM 605472.

Allele frequency attached by ClinVar (database versions not stated): ExAC 0.00414; ESP Exome Variant Server 0.01401; gnomAD 0.01418 and 0.01524; TOPMed 0.01576; 1000 Genomes Project 0.01577; 1000 Genomes Project 30x 0.01608; gnomAD exomes 0.00140 and 0.00355.
gnomAD v4.1: 4,279 of 1,610,430 alleles (0.27%); highest among the groups gnomAD compares: African/African-American, 4.8%; 90 homozygotes.

Submissions (6):

Labcorp Genetics (formerly Invitae), Labcorp
Classification: Benign. Last evaluated: 2026-02-02. Review status: criteria provided, single submitter. Criteria: Invitae Variant Classification Sherloc (09022015). Collection method: clinical testing. Allele origin: germline.

GeneDx
Classification: Benign. Last evaluated: 2018-02-06. Review status: criteria provided, single submitter. Criteria: GeneDx Variant Classification (06012015). Collection method: clinical testing. Allele origin: germline. Affected: yes.
Comment: This variant is considered likely benign or benign based on one or more of the following criteria: it is a conservative change, it occurs at a poorly conserved position in the protein, it is predicted to be benign by multiple in silico algorithms, and/or has population frequency not consistent with disease.

Athena Diagnostics
Classification: Benign. Last evaluated: 2018-01-24. Review status: criteria provided, single submitter. Criteria: Athena Diagnostics Criteria. Collection method: clinical testing. Allele origin: germline.

Illumina Laboratory Services, Illumina
Classification: Benign for Usher syndrome type 2C. Last evaluated: 2018-01-13. Review status: criteria provided, single submitter. Criteria: ICSL Variant Classification Criteria 13 December 2019. Collection method: clinical testing. Allele origin: germline.
Comment: This variant was observed in the ICSL laboratory as part of a predisposition screen in an ostensibly healthy population. It had not been previously curated by ICSL or reported in the Human Gene Mutation Database (HGMD: prior to June 1st, 2018), and was therefore a candidate for classification through an automated scoring system. Utilizing variant allele frequency, disease prevalence and penetrance estimates, and inheritance mode, an automated score was calculated to assess if this variant is too frequent to cause the disease. Based on the score and internal cut-off values, a variant classified as benign is not then subjected to further curation. The score for this variant resulted in a classification of benign for this disease.

Laboratory for Molecular Medicine, Mass General Brigham Personalized Medicine
Classification: Benign. Last evaluated: 2012-05-07. Review status: criteria provided, single submitter. Criteria: LMM Criteria. Collection method: clinical testing. Allele origin: germline. Observed: 26 variant alleles.
Comment: "Asp3827Asp in Exon 55 of GPR98: This variant is not expected to have clinical s ignificance because it does not alter an amino acid residue, is not located with in the splice consensus sequence, and has been identified in 4.3% (130/3038) of African American chromosomes from a broad population by the NHLBI Exome Sequenci ng Project (dbSNP rs16869083)."

Genetic Services Laboratory, University of Chicago
Classification: Likely benign. Review status: no assertion criteria provided. Collection method: clinical testing. Allele origin: germline. Inheritance: Autosomal dominant inheritance. Not counted in ClinVar's aggregate classification.
Comment: Likely benign based on allele frequency in 1000 Genomes Project or ESP global frequency and its presence in a patient with a rare or unrelated disease phenotype. NOT Sanger confirmed